The following is an entry in ClinVar:

NM_016239.4(MYO15A):c.3841G>A (p.Gly1281Arg)

Gene: MYO15A (myosin XVA; plus strand). Cytogenetic location: 17p11.2.
Variant type: single nucleotide variant.
Coding change: c.3841G>A on transcript NM_016239.4 (MANE Select); coding-DNA position 3841, G replaced by A.
Protein change: p.Gly1281Arg; replaces glycine 1281 with arginine.
Molecular consequence: missense variant.
Genome position (GRCh38, 1-based): chr17:18,126,431, G>A. VCF-style: chr17-18126431-G-A. GRCh37 (hg19) VCF-style: chr17-18029745-G-A.
Other names: c.3841G>A (NM_016239.3); short protein forms G1281R.
Identifiers: ClinVar variation 498528 (VCV000498528.16), dbSNP rs576515898, ClinGen allele CA8423599.

ClinVar aggregate classification (germline): Conflicting classifications of pathogenicity. Review status: criteria provided, conflicting classifications (1 of 4 stars). 5 submissions from 5 submitters: Uncertain significance (4); Likely benign (1). Last evaluated 2025-12-02.

Conditions:
Autosomal recessive nonsyndromic hearing loss 3. Also called: NEUROSENSORY NONSYNDROMIC RECESSIVE DEAFNESS 3. Identifiers: Orphanet 90636, MedGen C1838263, MONDO:0010860, OMIM 600316.
Inborn genetic diseases. Identifiers: MedGen C0950123, MeSH D030342.

Allele frequency attached by ClinVar (database versions not stated): gnomAD 0.00001 and 0.00003; TOPMed 0.00002; 1000 Genomes Project 0.00040; gnomAD exomes 0.00008; ExAC 0.00013; 1000 Genomes Project 30x 0.00031.
gnomAD v4.1: 95 of 1,613,958 alleles (0.0059%); highest among the groups gnomAD compares: South Asian, 0.08%; no homozygotes.

Submissions (5):

Labcorp Genetics (formerly Invitae), Labcorp
Classification: Likely benign. Last evaluated: 2025-12-02. Review status: criteria provided, single submitter. Criteria: Invitae Variant Classification Sherloc (09022015). Collection method: clinical testing. Allele origin: germline.

Ambry Genetics
Classification: Uncertain significance for Inborn genetic diseases. Last evaluated: 2025-02-04. Review status: criteria provided, single submitter. Criteria: Ambry Variant Classification Scheme 2023. Collection method: clinical testing. Allele origin: germline.

Blueprint Genetics
Classification: Uncertain significance. Last evaluated: 2024-08-02. Review status: criteria provided, single submitter. Criteria: ACMG Guidelines, 2015. Collection method: clinical testing. Allele origin: germline.

Neuberg Centre For Genomic Medicine, NCGM
Classification: Uncertain significance for Autosomal recessive nonsyndromic hearing loss 3. Last evaluated: 2023-05-20. Review status: criteria provided, single submitter. Criteria: ACMG Guidelines, 2015. Collection method: clinical testing. Allele origin: germline. Inheritance: Autosomal recessive inheritance. Affected: yes.
Comment: The observed missense variant c.3841G>A (p.Gly1281Arg) in MYO15A gene has not been reported previously as a pathogenic variant nor as a benign variant, to our knowledge. The p.Gly1281Arg variant has allele frequency 0.008% in gnomAD Exomes. This variant has been submitted to the ClinVar database as Uncertain Significance (multiple submitters). The amino acid change p.Gly1281Arg in MYO15A is predicted as conserved by GERP++ and PhyloP across 100 vertebrates. The amino acid Gly at position 1281 is changed to a Arg changing protein sequence and it might alter its composition and physico-chemical properties. For these reasons, this variant has been classified as Variant of Uncertain Significance (VUS).

Eurofins Ntd Llc (ga)
Classification: Uncertain significance. Last evaluated: 2016-12-06. Review status: criteria provided, single submitter. Criteria: EGL Classification Definitions 2015. Collection method: clinical testing. Allele origin: germline. Observed: 1 variant allele, 1 heterozygote.